The following is an entry in ClinVar:

ClinVar aggregate classification (germline): Pathogenic. Review status: criteria provided, multiple submitters, no conflicts (2 of 4 stars). 2 submissions from 2 submitters: Pathogenic (2). Last evaluated 2024-02-05.

Conditions:
Hereditary cancer-predisposing syndrome. Also called: Neoplastic Syndromes, Hereditary; Tumor predisposition; Hereditary neoplastic syndrome; Hereditary Cancer Syndrome. Identifiers: Orphanet 140162, MedGen C0027672, MeSH D009386, MONDO:0015356.
Familial cancer of breast. Also called: BREAST CANCER, FAMILIAL; Hereditary breast cancer; hereditary breast carcinoma. Identifiers: Orphanet 227535, MedGen C0346153, MONDO:0016419, OMIM 114480. Disease mechanism: loss of function.

Submissions (2):

Color Diagnostics, LLC DBA Color Health
Classification: Pathogenic for Hereditary cancer-predisposing syndrome. Last evaluated: 2024-02-05. Review status: criteria provided, single submitter. Criteria: ACMG Guidelines, 2015. Collection method: clinical testing. Allele origin: germline.
Comment: This variant deletes 4 nucleotides in exon 27/63 of the ATM gene, creating a frameshift and premature translation stop signal. This variant is expected to result in an absent or non-functional protein product. This variant has been reported in unknown phase with another pathogenic ATM variant in an individual affected with classic ataxia-telangiectasia (PMID: 12815592). This variant has not been identified in the general population by the Genome Aggregation Database (gnomAD). Loss of ATM function is a known mechanism of disease. Based on the available evidence, this variant is classified as Pathogenic.

Myriad Genetics, Inc.
Classification: Pathogenic for Familial cancer of breast. Last evaluated: 2024-01-23. Review status: criteria provided, single submitter. Criteria: Myriad Autosomal Dominant, Autosomal Recessive and X-Linked Classification Criteria (2023). Collection method: clinical testing. Allele origin: unknown.
Comment: This variant is considered pathogenic. This variant creates a frameshift predicted to result in premature protein truncation.

Literature cited by the submitters: PubMed 12815592 (cited by Color Diagnostics, LLC DBA Color Health).

NM_000051.4(ATM):c.4002_4005del (p.Leu1335fs)

Gene: ATM (ATM serine/threonine kinase; plus strand). Cytogenetic location: 11q22.3.
Variant type: Deletion.
Coding change: c.4002_4005del on transcript NM_000051.4 (MANE Select); coding-DNA positions 4002 to 4005, 4 bases deleted (CTTA; older notation c.4002_4005delCTTA).
Protein change: p.Leu1335fs; shifts the reading frame from leucine 1335.
Molecular consequence: frameshift variant.
Genome position (GRCh38, 1-based): chr11:108,287,608-108,287,611, CTTA deleted; deleting any 4 consecutive bases within chr11:108,287,607-108,287,611 gives the same sequence; the c. name uses the placement nearest the transcript's 3' end. VCF-style (leftmost placement, unchanged base first): chr11-108287606-CACTT-C. GRCh37 (hg19) VCF-style: chr11-108158333-CACTT-C.
Other names: c.4002_4005del, p.Leu1335fs (NM_001351834.2); short protein forms L1335fs.
Identifiers: ClinVar variation 3148545 (VCV003148545.2), dbSNP rs2546897717, ClinGen allele CA2695214765.
Genomic context (GRCh38, chr11:108,287,606, plus strand): 5'-TTGACGTTCACAGATATAAAATATTAAATATATTTTAATTTTGTGCCCTTGCAGATTGAT[CACTT>C]ATTCATTAGTAATTTACCAGAGATTGTGGTGGAGTTATTGATGACGTTACATGAGCCAGC-3'